The following is an entry in ClinVar:

NM_001130144.3(LTBP3):c.2188T>C (p.Cys730Arg)

Genes: LTBP3 (latent transforming growth factor beta binding protein 3; minus strand), LOC130006030 (ATAC-STARR-seq lymphoblastoid silent region 3533; plus strand). Cytogenetic location: 11q13.1.
Variant type: single nucleotide variant.
Coding change: c.2188T>C on transcript NM_001130144.3 (MANE Select); coding-DNA position 2188, T replaced by C.
Protein change: p.Cys730Arg; replaces cysteine 730 with arginine.
Molecular consequence: missense variant.
Genome position (GRCh38, 1-based): chr11:65,546,840, A>G on the plus strand (T>C on the coding strand, the complement: LTBP3 is on the minus strand). VCF-style: chr11-65546840-A-G. GRCh37 (hg19) VCF-style: chr11-65314311-A-G.
Other names: c.1837T>C, p.Cys613Arg (NM_001164266.1); c.2188T>C, p.Cys730Arg (NM_021070.4); short protein forms C613R, C730R.
Identifiers: ClinVar variation 1397864 (VCV001397864.9), dbSNP rs2135139983, ClinGen allele CA381269980.
Genomic context (GRCh38, chr11:65,546,840, plus strand): 5'-TCCGGGCCCCGCCCTCACCGCGACAGGCCCCGCCCCCCTGGCTGCGGTAGCCAGGCTGAC[A>G]GGCGATGCACTTGAAGCTCCCGGGCTTGTTCTCGCATTTGCCATCCGGGCAAGAGCTTGG-3'
Protein context (NP_001123616.1, residues 720-740): NKPGSFKCIA[Cys730Arg]QPGYRSQGGG

ClinVar aggregate classification (germline): Uncertain significance. Review status: criteria provided, multiple submitters, no conflicts (2 of 4 stars). 2 submissions from 2 submitters: Uncertain significance (2). Last evaluated 2024-08-23.

Conditions:
Brachyolmia-amelogenesis imperfecta syndrome. Also called: Dental anomalies and short stature; PLATYSPONDYLY WITH AMELOGENESIS IMPERFECTA; Tooth agenesis, selective, 6. Identifiers: Orphanet 2899, MedGen C1832594, MONDO:0011018, OMIM 601216. Disease mechanism: loss of function.

Submissions (2):

Blueprint Genetics
Classification: Uncertain significance. Last evaluated: 2024-08-23. Review status: criteria provided, single submitter. Criteria: ACMG Guidelines, 2015. Collection method: clinical testing. Allele origin: germline.

Labcorp Genetics (formerly Invitae), Labcorp
Classification: Uncertain significance for Brachyolmia-amelogenesis imperfecta syndrome. Last evaluated: 2024-02-24. Review status: criteria provided, single submitter. Criteria: Invitae Variant Classification Sherloc (09022015). Collection method: clinical testing. Allele origin: germline.
Comment: This sequence change replaces cysteine, which is neutral and slightly polar, with arginine, which is basic and polar, at codon 730 of the LTBP3 protein (p.Cys730Arg). This variant is not present in population databases (gnomAD no frequency). This variant has not been reported in the literature in individuals affected with LTBP3-related conditions. ClinVar contains an entry for this variant (Variation ID: 1397864). An algorithm developed to predict the effect of missense changes on protein structure and function (PolyPhen-2) suggests that this variant is likely to be disruptive. In summary, the available evidence is currently insufficient to determine the role of this variant in disease. Therefore, it has been classified as a Variant of Uncertain Significance.